The following is an entry in ClinVar:

NM_000918.4(P4HB):c.133C>T (p.Leu45=)

Gene: P4HB (prolyl 4-hydroxylase subunit beta; minus strand). Cytogenetic location: 17q25.3.
Variant type: single nucleotide variant.
Coding change: c.133C>T on transcript NM_000918.4 (MANE Select); coding-DNA position 133, C replaced by T.
Protein change: p.Leu45=; no amino-acid change (leucine 45 retained).
Molecular consequence: synonymous variant.
Genome position (GRCh38, 1-based): chr17:81,860,339, G>A on the plus strand (C>T on the coding strand, the complement: P4HB is on the minus strand). VCF-style: chr17-81860339-G-A. GRCh37 (hg19) VCF-style: chr17-79818215-G-A.
Other names: c.133C>T (NM_000918.3).
Identifiers: ClinVar variation 1674839 (VCV001674839.11), dbSNP rs759767318, ClinGen allele CA8843070.

ClinVar aggregate classification (germline): Benign. Review status: criteria provided, multiple submitters, no conflicts (2 of 4 stars). 3 submissions from 3 submitters: Benign (2). 1 of the submissions does not count toward it. Last evaluated 2025-11-01.

Conditions:
P4HB-related disorder. Also called: P4HB-related condition.

Allele frequency attached by ClinVar (database versions not stated): gnomAD 0.00012 and 0.00013; TOPMed 0.00015; gnomAD exomes 0.00032; ExAC 0.00096.
gnomAD v4.1: 167 of 1,469,430 alleles (0.011%); highest among the groups gnomAD compares: Middle Eastern, 0.017%; no homozygotes.

Submissions (3):

Labcorp Genetics (formerly Invitae), Labcorp
Classification: Benign. Last evaluated: 2025-11-01. Review status: criteria provided, single submitter. Criteria: Invitae Variant Classification Sherloc (09022015). Collection method: clinical testing. Allele origin: germline.

Breakthrough Genomics
Classification: Benign. Review status: criteria provided, single submitter. Criteria: ACMG Guidelines, 2015. Collection method: not provided. Allele origin: germline. Inheritance: Autosomal dominant inheritance. Affected: yes.

PreventionGenetics, part of Exact Sciences
Classification: Likely benign for P4HB-related condition. Last evaluated: 2023-08-21. Review status: no assertion criteria provided. Collection method: clinical testing. Allele origin: germline. Not counted in ClinVar's aggregate classification.
Comment: This variant is classified as likely benign based on ACMG/AMP sequence variant interpretation guidelines (Richards et al. 2015 PMID: 25741868, with internal and published modifications).